The following is an entry in ClinVar:

NM_000493.4(COL10A1):c.539G>C (p.Gly180Ala)

Genes: COL10A1 (collagen type X alpha 1 chain; minus strand), NT5DC1 (5'-nucleotidase domain containing 1; plus strand). Cytogenetic location: 6q22.1.
Variant type: single nucleotide variant.
Coding change: c.539G>C on transcript NM_000493.4 (MANE Select); coding-DNA position 539, G replaced by C.
Protein change: p.Gly180Ala; replaces glycine 180 with alanine.
Molecular consequence: missense variant. On other transcripts: intron variant (1).
Genome position (GRCh38, 1-based): chr6:116,121,577, C>G on the plus strand (G>C on the coding strand, the complement: COL10A1 is on the minus strand). VCF-style: chr6-116121577-C-G. GRCh37 (hg19) VCF-style: chr6-116442740-C-G.
Other names: c.539G>C, p.Gly180Ala (NM_001424106.1, NM_001424107.1); c.529+3632C>G (NM_152729.3); c.539G>C (NM_000493.3); short protein forms G180A.
Identifiers: ClinVar variation 3018467 (VCV003018467.4), dbSNP rs1582814284, ClinGen allele CA365394865.

ClinVar aggregate classification (germline): Uncertain significance. Review status: criteria provided, multiple submitters, no conflicts (2 of 4 stars). 2 submissions from 2 submitters: Uncertain significance (2). Last evaluated 2025-04-08.

Conditions:
Inborn genetic diseases. Identifiers: MedGen C0950123, MeSH D030342.

Allele frequency attached by ClinVar (database versions not stated): TOPMed below 0.00001.
gnomAD v4.1: 1 of 1,614,120 alleles (0.000062%); no homozygotes.

Submissions (2):

Ambry Genetics
Classification: Uncertain significance for Inborn genetic diseases. Last evaluated: 2025-04-08. Review status: criteria provided, single submitter. Criteria: Ambry Variant Classification Scheme 2023. Collection method: clinical testing. Allele origin: germline.

Labcorp Genetics (formerly Invitae), Labcorp
Classification: Uncertain significance. Last evaluated: 2025-03-17. Review status: criteria provided, single submitter. Criteria: Invitae Variant Classification Sherloc (09022015). Collection method: clinical testing. Allele origin: germline.
Comment: This sequence change replaces glycine, which is neutral and non-polar, with alanine, which is neutral and non-polar, at codon 180 of the COL10A1 protein (p.Gly180Ala). This variant is not present in population databases (gnomAD no frequency). This variant has not been reported in the literature in individuals affected with COL10A1-related conditions. ClinVar contains an entry for this variant (Variation ID: 3018467). Invitae Evidence Modeling of protein sequence and biophysical properties (such as structural, functional, and spatial information, amino acid conservation, physicochemical variation, residue mobility, and thermodynamic stability) has been performed for this missense variant. However, the output from this modeling did not meet the statistical confidence thresholds required to predict the impact of this variant on COL10A1 protein function. In summary, the available evidence is currently insufficient to determine the role of this variant in disease. Therefore, it has been classified as a Variant of Uncertain Significance.